The following is an entry in ClinVar:

NM_014629.4(ARHGEF10):c.843+47C>G

Gene: ARHGEF10 (Rho guanine nucleotide exchange factor 10; plus strand). Cytogenetic location: 8p23.3.
Variant type: single nucleotide variant.
Coding change: c.843+47C>G on transcript NM_014629.4 (MANE Select); 47 bases into the intron after coding-DNA position 843, C replaced by G.
Molecular consequence: intron variant.
Genome position (GRCh38, 1-based): chr8:1,876,781, C>G. VCF-style: chr8-1876781-C-G. GRCh37 (hg19) VCF-style: chr8-1824947-C-G.
Other names: c.846+47C>G (NM_001438092.1, NM_001438091.1, NM_001308152.2 and 2 more transcripts); c.843+47C>G (NM_001438093.1).
Identifiers: ClinVar variation 3068583 (VCV003068583.1), dbSNP rs150727103, ClinGen allele CA4600060.
Genomic context (GRCh38, chr8:1,876,781, plus strand): 5'-ACCACAAAAAGCAAGTACGTGTTCCCTGCACATGTGAGGGATGGTTCTCTCGCGTTAACA[C>G]GGACAGGGGGCTGTGAATATGATTGTGATCCACCTAGTACTTCATAGTGATTTGTTAAGA-3'

ClinVar aggregate classification (germline): Likely benign (1 of 4 stars; one submission).

Conditions:
Autosomal dominant slowed nerve conduction velocity. Identifiers: Orphanet 140481, MedGen C1842357, MONDO:0011998, OMIM 608236.

Allele frequency attached by ClinVar (database versions not stated): 1000 Genomes Project 30x 0.00031; 1000 Genomes Project 0.00040.
gnomAD v4.1: 6,124 of 1,594,240 alleles (0.38%); highest among the groups gnomAD compares: Non-Finnish European, 0.45%; 17 homozygotes.

Submission:

Molecular Genetics, Royal Melbourne Hospital
Classification: Likely benign for Autosomal dominant slowed nerve conduction velocity. Last evaluated: 2023-05-04. Review status: criteria provided, single submitter. Criteria: ACMG Guidelines, 2015. Collection method: clinical testing. Allele origin: germline. Affected: yes.
Comment: European Non-Finnish population allele frequency is 0.5430% (rs150727103, 700/128,902 alleles, 5 homozygotes in gnomAD v2.1). Based on the classification scheme RMH Modified ACMG/AMP Guidelines v1.5.1, this variant is classified as LIKELY BENIGN. Following criteria are met: BS1